The following is an entry in ClinVar:

NM_032043.3(BRIP1):c.2143_2163delinsTTCT (p.His715fs)

Gene: BRIP1 (BRCA1 interacting DNA helicase 1; minus strand). Cytogenetic location: 17q23.2.
Variant type: Indel.
Coding change: c.2143_2163delinsTTCT on transcript NM_032043.3 (MANE Select); coding-DNA positions 2143 to 2163, CATAATCTGGAGTTGGTGAAG replaced by TTCT.
Protein change: p.His715fs; shifts the reading frame from histidine 715.
Molecular consequence: frameshift variant.
Genome position (GRCh38, 1-based): chr17:61,744,526-61,744,546, CTTCACCAACTCCAGATTATG replaced by AGAA on the plus strand (CATAATCTGGAGTTGGTGAAG replaced by TTCT on the coding strand, the reverse complement: BRIP1 is on the minus strand). VCF-style: chr17-61744526-CTTCACCAACTCCAGATTATG-AGAA. GRCh37 (hg19) VCF-style: chr17-59821887-CTTCACCAACTCCAGATTATG-AGAA.
Other names: short protein forms H715fs.
Identifiers: ClinVar variation 2583383 (VCV002583383.4), dbSNP rs2544837995, ClinGen allele CA2582342212.
Genomic context (GRCh38, chr17:61,744,526, plus strand): 5'-CACCTGCAGTAATTCATCAAAATTTGTTTTTTCTCCTCCCTGTGGTTCTACAATGACTGT[CTTCACCAACTCCAGATTATG>AGAA]CCATAAACCAGTAGAGAGCCAACGTTCTTTTAATTTTTCTAATAACTAAAGAGGGGAAAG-3'

ClinVar aggregate classification (germline): Pathogenic/Likely pathogenic. Review status: criteria provided, multiple submitters, no conflicts (2 of 4 stars). 3 submissions from 3 submitters: Pathogenic (2); Likely pathogenic (1). Last evaluated 2024-01-17.

Conditions:
Familial cancer of breast. Also called: Hereditary breast cancer; BREAST CANCER, FAMILIAL; hereditary breast carcinoma. Identifiers: Orphanet 227535, MedGen C0346153, MONDO:0016419, OMIM 114480. Disease mechanism: loss of function.
Hereditary cancer-predisposing syndrome. Also called: Tumor predisposition; Hereditary neoplastic syndrome; Neoplastic Syndromes, Hereditary; Hereditary Cancer Syndrome. Identifiers: Orphanet 140162, MedGen C0027672, MeSH D009386, MONDO:0015356.

Submissions (3):

Ambry Genetics
Classification: Pathogenic for Hereditary cancer-predisposing syndrome. Last evaluated: 2024-01-17. Review status: criteria provided, single submitter. Criteria: Ambry Variant Classification Scheme 2023. Collection method: clinical testing. Allele origin: germline.
Comment: The c.2143_2163del21insTTCT pathogenic mutation, located in coding exon 14 of the BRIP1 gene, results from the deletion of 21 nucleotides and insertion of 4 nucleotides causing a translational frameshift with a predicted alternate stop codon (p.H715Ffs*16). This alteration is expected to result in loss of function by premature protein truncation or nonsense-mediated mRNA decay. As such, this alteration is interpreted as a disease-causing mutation.

Baylor Genetics
Classification: Likely pathogenic for Familial cancer of breast. Last evaluated: 2023-07-14. Review status: criteria provided, single submitter. Criteria: ACMG Guidelines, 2015. Collection method: clinical testing. Allele origin: unknown.

Myriad Genetics, Inc.
Classification: Pathogenic for Familial cancer of breast. Last evaluated: 2023-06-06. Review status: criteria provided, single submitter. Criteria: Myriad Autosomal Dominant, Autosomal Recessive and X-Linked Classification Criteria (2023). Collection method: clinical testing. Allele origin: unknown.
Comment: This variant is considered pathogenic. This variant creates a frameshift predicted to result in premature protein truncation.